The following is an entry in ClinVar:

ClinVar aggregate classification (germline): Benign. Review status: criteria provided, multiple submitters, no conflicts (2 of 4 stars). 4 submissions from 4 submitters: Benign (4). Last evaluated 2026-02-01.

Conditions:
Fleck corneal dystrophy (CFD). Also called: CORNEAL DYSTROPHY, FRANCOIS-NEETENS SPECKLED OR FLECKED. Identifiers: Orphanet 98970, MedGen C1562113, MONDO:0007376, OMIM 121850.

Allele frequency attached by ClinVar (database versions not stated): ESP Exome Variant Server 0.68307; TOPMed 0.69591; gnomAD 0.70349 and 0.71314; 1000 Genomes Project 30x 0.70550; 1000 Genomes Project 0.71605; ExAC 0.80986; gnomAD exomes 0.82323 and 0.83274.
gnomAD v4.1: 1,324,774 of 1,613,796 alleles (82%); highest among the groups gnomAD compares: East Asian, 91%; 552,779 homozygotes.

Submissions (4):

Labcorp Genetics (formerly Invitae), Labcorp
Classification: Benign. Last evaluated: 2026-02-01. Review status: criteria provided, single submitter. Criteria: Invitae Variant Classification Sherloc (09022015). Collection method: clinical testing. Allele origin: germline.

Genome-Nilou Lab
Classification: Benign for Fleck corneal dystrophy. Last evaluated: 2021-09-05. Review status: criteria provided, single submitter. Criteria: ACMG Guidelines, 2015. Collection method: clinical testing. Allele origin: germline. Affected: no.

Illumina Laboratory Services, Illumina
Classification: Benign for Fleck corneal dystrophy. Last evaluated: 2018-01-13. Review status: criteria provided, single submitter. Criteria: ICSL Variant Classification Criteria 13 December 2019. Collection method: clinical testing. Allele origin: germline.
Comment: This variant was observed in the ICSL laboratory as part of a predisposition screen in an ostensibly healthy population. It had not been previously curated by ICSL or reported in the Human Gene Mutation Database (HGMD: prior to June 1st, 2018), and was therefore a candidate for classification through an automated scoring system. Utilizing variant allele frequency, disease prevalence and penetrance estimates, and inheritance mode, an automated score was calculated to assess if this variant is too frequent to cause the disease. Based on the score and internal cut-off values, a variant classified as benign is not then subjected to further curation. The score for this variant resulted in a classification of benign for this disease.

Breakthrough Genomics
Classification: Benign. Review status: criteria provided, single submitter. Criteria: ACMG Guidelines, 2015. Collection method: not provided. Allele origin: germline. Inheritance: Autosomal dominant inheritance. Affected: yes.

NM_015040.4(PIKFYVE):c.5334G>A (p.Thr1778=)

Gene: PIKFYVE (phosphoinositide kinase, FYVE-type zinc finger containing; plus strand). Cytogenetic location: 2q34.
Variant type: single nucleotide variant.
Coding change: c.5334G>A on transcript NM_015040.4 (MANE Select); coding-DNA position 5334, G replaced by A.
Protein change: p.Thr1778=; no amino-acid change (threonine 1778 retained).
Molecular consequence: synonymous variant.
Genome position (GRCh38, 1-based): chr2:208,347,983, G>A. VCF-style: chr2-208347983-G-A. GRCh37 (hg19) VCF-style: chr2-209212707-G-A.
Identifiers: ClinVar variation 333930 (VCV000333930.15), dbSNP rs2304545, ClinGen allele CA2080597.